The following is an entry in ClinVar:

ClinVar aggregate classification (germline): Uncertain significance (1 of 4 stars; one submission).

Conditions:
Erythrocytosis, familial, 3 (ECYT3). Identifiers: Orphanet 247511, MedGen C1853286, MONDO:0012353, OMIM 609820.

gnomAD v4.1: 1 of 1,557,764 alleles (0.000064%); highest among the groups gnomAD compares: Non-Finnish European, 0.000086%; no homozygotes.

Submission:

Labcorp Genetics (formerly Invitae), Labcorp
Classification: Uncertain significance for Erythrocytosis, familial, 3. Last evaluated: 2023-07-21. Review status: criteria provided, single submitter. Criteria: Invitae Variant Classification Sherloc (09022015). Collection method: clinical testing. Allele origin: germline.
Comment: This sequence change replaces arginine, which is basic and polar, with leucine, which is neutral and non-polar, at codon 35 of the EGLN1 protein (p.Arg35Leu). This variant is not present in population databases (gnomAD no frequency). This variant has not been reported in the literature in individuals affected with EGLN1-related conditions. An algorithm developed to predict the effect of missense changes on protein structure and function (PolyPhen-2) suggests that this variant is likely to be disruptive. In summary, the available evidence is currently insufficient to determine the role of this variant in disease. Therefore, it has been classified as a Variant of Uncertain Significance.

NM_022051.3(EGLN1):c.104G>T (p.Arg35Leu)

Gene: EGLN1 (egl-9 family hypoxia inducible factor 1; minus strand). Cytogenetic location: 1q42.2.
Variant type: single nucleotide variant.
Coding change: c.104G>T on transcript NM_022051.3 (MANE Select); coding-DNA position 104, G replaced by T.
Protein change: p.Arg35Leu; replaces arginine 35 with leucine.
Molecular consequence: missense variant.
Genome position (GRCh38, 1-based): chr1:231,421,785, C>A on the plus strand (G>T on the coding strand, the complement: EGLN1 is on the minus strand). VCF-style: chr1-231421785-C-A. GRCh37 (hg19) VCF-style: chr1-231557531-C-A.
Other names: c.104G>T, p.Arg35Leu (NM_001377260.1, NM_001377261.1); short protein forms R35L.
Identifiers: ClinVar variation 2964870 (VCV002964870.3), dbSNP rs1331328829, ClinGen allele CA345239032.